The following is an entry in ClinVar:

ClinVar aggregate classification (germline): Uncertain significance (1 of 4 stars; one submission).

Conditions:
Congenital afibrinogenemia. Identifiers: Orphanet 335, Orphanet 98880, MedGen C2584774, MONDO:0008737, OMIM 202400.

Allele frequency attached by ClinVar (database versions not stated): TOPMed 0.00001.

Submission:

ISTH-SSC Genomics in Thrombosis and Hemostasis, KU Leuven, Center for Molecular and Vascular Biology
Classification: Uncertain significance for Congenital afibrinogenemia. Review status: criteria provided, single submitter. Criteria: ACMG Guidelines, 2015. Collection method: clinical testing. Allele origin: unknown. Affected: yes.
Comment: Submitted to GoldVariant by Kathleen Freson, Center for Molecular and Vascular Biology, Leuven, Belgium

Literature cited by the submitters: PubMed 34355501.

NM_021871.4(FGA):c.364+5G>A

Gene: FGA (fibrinogen alpha chain; minus strand). Cytogenetic location: 4q31.3.
Variant type: single nucleotide variant.
Coding change: c.364+5G>A on transcript NM_021871.4 (MANE Select); 5 bases into the intron after coding-DNA position 364, G replaced by A.
Molecular consequence: intron variant.
Genome position (GRCh38, 1-based): chr4:154,588,788, C>T on the plus strand (G>A on the coding strand, the complement: FGA is on the minus strand). VCF-style: chr4-154588788-C-T. GRCh37 (hg19) VCF-style: chr4-155509940-C-T.
Other names: c.364+5G>A (NM_000508.5).
Identifiers: ClinVar variation 1676739 (VCV001676739.1), dbSNP rs891744509, ClinGen allele CA108762896.